The following is an entry in ClinVar:

NM_024408.4(NOTCH2):c.5540AAGATG[1] (p.1847ED[1])

Gene: NOTCH2 (notch receptor 2; minus strand). Cytogenetic location: 1p12.
Variant type: Microsatellite.
Coding change: c.5540AAGATG[1] on transcript NM_024408.4 (MANE Select); one copy of the 6-base unit AAGATG starting at c.5540; the reference has two copies in a row; one copy, 6 bases deleted; also written c.5546_5551del.
Protein change: p.1847ED[1].
Molecular consequence: inframe deletion.
Genome position (GRCh38, 1-based): chr1:119,919,542-119,919,547, CATCTT deleted on the plus strand (AAGATG on the coding strand, the reverse complement: NOTCH2 is on the minus strand); deleting any 6 consecutive bases within chr1:119,919,542-119,919,557 gives the same sequence; the position shown is the placement nearest the transcript's 3' end. VCF-style (leftmost placement, unchanged base first): chr1-119919541-GCATCTT-G. GRCh37 (hg19) VCF-style: chr1-120462164-GCATCTT-G.
Other names: c.5546_5551del (NM_024408.4).
Identifiers: ClinVar variation 1438596 (VCV001438596.7), dbSNP rs764518778, ClinGen allele CA1039607.
Genomic context (GRCh38, chr1:119,919,541, plus strand): 5'-GCCTGGAGGCTGGCACCCTGGTAGACCAAGTCTGTGATGATGTTAGCAGAAGAGTCCTCT[GCATCTT>G]CATCTTCATCACTCAAATCTGAGCTGCCTCCTCGGAGAGAAGCCAACATCAATGGGGTGC-3'

ClinVar aggregate classification (germline): Uncertain significance. Review status: criteria provided, multiple submitters, no conflicts (2 of 4 stars). 2 submissions from 2 submitters: Uncertain significance (2). Last evaluated 2024-02-02.

Conditions:
Hajdu-Cheney syndrome (HJCYS). Also called: SERPENTINE FIBULA-POLYCYSTIC KIDNEY SYNDROME; ACROOSTEOLYSIS WITH OSTEOPOROSIS AND CHANGES IN SKULL AND MANDIBLE; Acroosteolysis dominant type. Identifiers: Orphanet 955, MedGen C0917715, MONDO:0007057, OMIM 102500.
Alagille syndrome due to a NOTCH2 point mutation. Also called: Alagille syndrome 2. Identifiers: Orphanet 261629, Orphanet 52, MedGen C1857761, MONDO:0012439, OMIM 610205.

Submissions (2):

Labcorp Genetics (formerly Invitae), Labcorp
Classification: Uncertain significance for Hajdu-Cheney syndrome. Last evaluated: 2024-02-02. Review status: criteria provided, single submitter. Criteria: Invitae Variant Classification Sherloc (09022015). Collection method: clinical testing. Allele origin: germline.
Comment: This variant, c.5546_5551del, results in the deletion of 2 amino acid(s) of the NOTCH2 protein (p.Glu1849_Asp1850del), but otherwise preserves the integrity of the reading frame. This variant is present in population databases (rs764518778, gnomAD 0.006%). This variant has not been reported in the literature in individuals affected with NOTCH2-related conditions. Experimental studies and prediction algorithms are not available or were not evaluated, and the functional significance of this variant is currently unknown. In summary, the available evidence is currently insufficient to determine the role of this variant in disease. Therefore, it has been classified as a Variant of Uncertain Significance.

Fulgent Genetics
Classification: Uncertain significance for Hajdu-Cheney syndrome; Alagille syndrome due to a NOTCH2 point mutation. Last evaluated: 2022-05-14. Review status: criteria provided, single submitter. Criteria: ACMG Guidelines, 2015. Collection method: clinical testing. Allele origin: unknown.